The following is an entry in ClinVar:

ClinVar aggregate classification (germline): Uncertain significance. Review status: criteria provided, multiple submitters, no conflicts (2 of 4 stars). 4 submissions from 4 submitters: Uncertain significance (4). Last evaluated 2025-12-29.

Conditions:
Hereditary cancer-predisposing syndrome. Also called: Hereditary neoplastic syndrome; Tumor predisposition; Hereditary Cancer Syndrome; Neoplastic Syndromes, Hereditary. Identifiers: Orphanet 140162, MedGen C0027672, MeSH D009386, MONDO:0015356.
Ataxia-telangiectasia syndrome (AT). Also called: Cerebello-oculocutaneous telangiectasia; Immunodeficiency with ataxia telangiectasia; Ataxia telangiectasia (A-T); Ataxia-telangiectasia, complementation group E; LOUIS-BAR SYNDROME; Ataxia-telangiectasia. Identifiers: Orphanet 100, MedGen C0004135, MONDO:0008840, OMIM 208900.

Allele frequency attached by ClinVar (database versions not stated): gnomAD 0.00001.
gnomAD v4.1: 3 of 1,613,572 alleles (0.00019%); highest among the groups gnomAD compares: African/African-American, 0.004%; no homozygotes.

Submissions (4):

Center for Genomic Medicine, Rigshospitalet, Copenhagen University Hospital
Classification: Uncertain significance. Last evaluated: 2025-12-29. Review status: criteria provided, single submitter. Criteria: ACMG Guidelines, 2015. Collection method: clinical testing. Allele origin: germline.

Ambry Genetics
Classification: Uncertain significance for Hereditary cancer-predisposing syndrome. Last evaluated: 2023-12-14. Review status: criteria provided, single submitter. Criteria: Ambry Variant Classification Scheme 2023. Collection method: clinical testing. Allele origin: germline.
Comment: The p.I1483V variant (also known as c.4447A>G), located in coding exon 29 of the ATM gene, results from an A to G substitution at nucleotide position 4447. The isoleucine at codon 1483 is replaced by valine, an amino acid with highly similar properties. This amino acid position is conserved. In addition, this alteration is predicted to be tolerated by in silico analysis. Since supporting evidence is limited at this time, the clinical significance of this alteration remains unclear.

Color Diagnostics, LLC DBA Color Health
Classification: Uncertain significance for Hereditary cancer-predisposing syndrome. Last evaluated: 2023-12-05. Review status: criteria provided, single submitter. Criteria: ACMG Guidelines, 2015. Collection method: clinical testing. Allele origin: germline.
Comment: This missense variant replaces isoleucine with valine at codon 1483 of the ATM protein. Computational prediction suggests that this variant may not impact protein structure and function (internally defined REVEL score threshold <= 0.5, PMID: 27666373). To our knowledge, functional studies have not been reported for this variant. This variant has not been reported in individuals affected with ATM-related disorders in the literature. This variant has been identified in 1/251276 chromosomes in the general population by the Genome Aggregation Database (gnomAD). The available evidence is insufficient to determine the role of this variant in disease conclusively. Therefore, this variant is classified as a Variant of Uncertain Significance.

Labcorp Genetics (formerly Invitae), Labcorp
Classification: Uncertain significance for Ataxia-telangiectasia syndrome. Last evaluated: 2021-08-27. Review status: criteria provided, single submitter. Criteria: Invitae Variant Classification Sherloc (09022015). Collection method: clinical testing. Allele origin: germline.
Comment: This sequence change replaces isoleucine with valine at codon 1483 of the ATM protein (p.Ile1483Val). The isoleucine residue is weakly conserved and there is a small physicochemical difference between isoleucine and valine. This variant is not present in population databases (ExAC no frequency). This variant has not been reported in the literature in individuals affected with ATM-related conditions. Algorithms developed to predict the effect of missense changes on protein structure and function (SIFT, PolyPhen-2, Align-GVGD) all suggest that this variant is likely to be tolerated. In summary, the available evidence is currently insufficient to determine the role of this variant in disease. Therefore, it has been classified as a Variant of Uncertain Significance.

NM_000051.4(ATM):c.4447A>G (p.Ile1483Val)

Gene: ATM (ATM serine/threonine kinase; plus strand). Cytogenetic location: 11q22.3.
Variant type: single nucleotide variant.
Coding change: c.4447A>G on transcript NM_000051.4 (MANE Select); coding-DNA position 4447, A replaced by G.
Protein change: p.Ile1483Val; replaces isoleucine 1483 with valine.
Molecular consequence: missense variant.
Genome position (GRCh38, 1-based): chr11:108,292,629, A>G. VCF-style: chr11-108292629-A-G. GRCh37 (hg19) VCF-style: chr11-108163356-A-G.
Other names: c.4447A>G, p.Ile1483Val (NM_001351834.2); short protein forms I1483V.
Identifiers: ClinVar variation 574985 (VCV000574985.14), dbSNP rs1281685502, ClinGen allele CA382532946.